The following is an entry in ClinVar:

NM_012434.5(SLC17A5):c.22dup (p.Leu8fs)

Genes: SLC17A5 (solute carrier family 17 member 5; minus strand), LOC129996727 (ATAC-STARR-seq lymphoblastoid silent region 17338; plus strand). Cytogenetic location: 6q13.
Variant type: Duplication.
Coding change: c.22dup on transcript NM_012434.5 (MANE Select); coding-DNA position 22, one base duplicated (C; older notation c.22dupC).
Protein change: p.Leu8fs; shifts the reading frame from leucine 8.
Molecular consequence: frameshift variant. On other transcripts: 5 prime UTR variant (2).
Genome position (GRCh38, 1-based): chr6:73,653,865, G duplicated on the plus strand (C on the coding strand, the reverse complement: SLC17A5 is on the minus strand); the first of 2 consecutive G bases (chr6:73,653,865-73,653,866); duplicating either gives the same sequence. VCF-style (leftmost placement, unchanged base first): chr6-73653864-A-AG. GRCh37 (hg19) VCF-style: chr6-74363587-A-AG.
Other names: c.-13dup (NM_001382629.1, NM_001382636.1); c.22dup, p.Leu8fs (NM_001382630.1, NM_001382631.1, NM_001382632.1 and 3 more transcripts); short protein forms L8fs.
Identifiers: ClinVar variation 5011851 (VCV005011851.1).

ClinVar aggregate classification (germline): Pathogenic (1 of 4 stars; one submission).

Conditions:
Sialic acid storage disease, severe infantile type (ISSD). Also called: INFANTILE SIALIC ACID STORAGE DISORDER; N-ACETYLNEURAMINIC ACID STORAGE DISEASE; NANA STORAGE DISEASE; SIALURIA, INFANTILE FORM; Infantile Sialic Acid Storage Disease; Free sialic acid storage disease, infantile form. Identifiers: Orphanet 309324, Orphanet 834, MedGen C1096902, MONDO:0010027, OMIM 269920.

Submission:

Myriad Genetics, Inc.
Classification: Pathogenic for Sialic acid storage disease, severe infantile type. Last evaluated: 2023-09-27. Review status: criteria provided, single submitter. Criteria: Myriad Autosomal Dominant, Autosomal Recessive and X-Linked Classification Criteria (2023). Collection method: clinical testing. Allele origin: unknown.
Comment: NM_012434.4(SLC17A5):c.22dupC(L8Pfs*70) is expected to be pathogenic in the context of free sialic acid storage disorders. This variant is predicted to lead to an abnormal or absent protein product due to the creation of a premature termination codon in SLC17A5, a gene where loss-of-function variants are known to be pathogenic. Please note: this variant was assessed in the context of healthy population screening.